The following is an entry in ClinVar:

ClinVar aggregate classification (germline): Likely pathogenic (1 of 4 stars; one submission).

Conditions:
Familial hypokalemia-hypomagnesemia (GTLMNS). Also called: POTASSIUM AND MAGNESIUM DEPLETION; HYPOMAGNESEMIA-HYPOKALEMIA, PRIMARY RENOTUBULAR, WITH HYPOCALCIURIA; gitelman syndrome. Identifiers: Orphanet 358, MedGen C0268450, MONDO:0009904, OMIM 263800.

Submission:

Natera, Inc.
Classification: Likely pathogenic for Gitelman syndrome. Last evaluated: 2025-11-06. Review status: criteria provided, single submitter. Criteria: Natera Variant Classification Schema (03/2026). Collection method: clinical testing. Allele origin: germline.
Comment: The c.1956dup variant in SLC12A3 is a frameshift variant predicted to shift the reading frame beginning at codon 653 and leads to a stop codon 36 codons downstream. This variant is expected to result in nonsense mediated decay, truncation, or a dysfunctional protein product. This variant is rare in the general population with a frequency below the threshold expected for the associated phenotype(s). Given the available evidence, this variant is classified as Likely Pathogenic.

NM_001126108.2(SLC12A3):c.1956dup (p.Asn653fs)

Gene: SLC12A3 (solute carrier family 12 member 3; plus strand). Cytogenetic location: 16q13.
Variant type: Duplication.
Coding change: c.1956dup on transcript NM_001126108.2 (MANE Select); coding-DNA position 1956, one base duplicated (C; older notation c.1956dupC).
Protein change: p.Asn653fs; shifts the reading frame from asparagine 653.
Molecular consequence: frameshift variant.
Genome position (GRCh38, 1-based): chr16:56,886,394, C duplicated; the last of 6 consecutive C bases (chr16:56,886,389-56,886,394); duplicating any one gives the same sequence. VCF-style (leftmost placement, unchanged base first): chr16-56886388-G-GC. GRCh37 (hg19) VCF-style: chr16-56920300-G-GC.
Other names: c.1956dup, p.Asn653fs (NM_000339.3); c.1953dup, p.Asn652fs (NM_001126107.2, NM_001410896.1); short protein forms N652fs, N653fs.
Identifiers: ClinVar variation 4818197 (VCV004818197.1).